The following is an entry in ClinVar:

ClinVar aggregate classification (germline): Likely benign. Review status: criteria provided, multiple submitters, no conflicts (2 of 4 stars). 2 submissions from 2 submitters: Likely benign (2). Last evaluated 2024-09-01.

Conditions:
Familial hemiplegic migraine. Identifiers: MedGen C0338484, MONDO:0000700.

Allele frequency attached by ClinVar (database versions not stated): gnomAD 0.00001; TOPMed 0.00001.
gnomAD v4.1: 12 of 1,614,100 alleles (0.00074%); no homozygotes.

Submissions (2):

Labcorp Genetics (formerly Invitae), Labcorp
Classification: Likely benign for Familial hemiplegic migraine. Last evaluated: 2024-09-01. Review status: criteria provided, single submitter. Criteria: Invitae Variant Classification Sherloc (09022015). Collection method: clinical testing. Allele origin: germline.

GeneDx
Classification: Likely benign. Last evaluated: 2017-07-19. Review status: criteria provided, single submitter. Criteria: GeneDx Variant Classification (06012015). Collection method: clinical testing. Allele origin: germline. Affected: yes.
Comment: This variant is considered likely benign or benign based on one or more of the following criteria: it is a conservative change, it occurs at a poorly conserved position in the protein, it is predicted to be benign by multiple in silico algorithms, and/or has population frequency not consistent with disease.

NM_000702.4(ATP1A2):c.2895C>G (p.Leu965=)

Gene: ATP1A2 (ATPase Na+/K+ transporting subunit alpha 2; plus strand). Cytogenetic location: 1q23.2.
Variant type: single nucleotide variant.
Coding change: c.2895C>G on transcript NM_000702.4 (MANE Select); coding-DNA position 2895, C replaced by G.
Protein change: p.Leu965=; no amino-acid change (leucine 965 retained).
Molecular consequence: synonymous variant.
Genome position (GRCh38, 1-based): chr1:160,139,694, C>G. VCF-style: chr1-160139694-C-G. GRCh37 (hg19) VCF-style: chr1-160109484-C-G.
Identifiers: ClinVar variation 510840 (VCV000510840.8), dbSNP rs200706103, ClinGen allele CA31506018.
Genomic context (GRCh38, chr1:160,139,694, plus strand): 5'-TTTCAGGAACAAGATCCTGATTTTTGGGCTCCTGGAGGAGACGGCGTTGGCTGCCTTTCT[C>G]TCTTACTGCCCAGGCATGGGTGTAGCCCTCCGCATGTACCCGCTCAAGTGAGTGTCTCTT-3'
Protein context (NP_000693.1, residues 955-975): LLEETALAAF[Leu965=]SYCPGMGVAL